The following is an entry in ClinVar:

ClinVar aggregate classification (germline): Conflicting classifications of pathogenicity. Review status: criteria provided, conflicting classifications (1 of 4 stars). 2 submissions from 2 submitters: Likely pathogenic (1); Uncertain significance (1). Last evaluated 2023-10-01.

Conditions:
Retinal dystrophy. Also called: Inherited retinal dystrophy. Identifiers: Orphanet 71862, MedGen C0854723, MeSH D058499, MONDO:0019118, HP:0000556.

Submissions (2):

Dept Of Ophthalmology, Nagoya University
Classification: Likely pathogenic for Retinal dystrophy. Last evaluated: 2023-10-01. Review status: criteria provided, single submitter. Criteria: Submitter's publication. Collection method: research. Allele origin: germline. Affected: yes.

Labcorp Genetics (formerly Invitae), Labcorp
Classification: Uncertain significance. Last evaluated: 2022-03-09. Review status: criteria provided, single submitter. Criteria: Invitae Variant Classification Sherloc (09022015). Collection method: clinical testing. Allele origin: germline.
Comment: This sequence change replaces isoleucine, which is neutral and non-polar, with valine, which is neutral and non-polar, at codon 321 of the TOPORS protein (p.Ile321Val). This variant is not present in population databases (gnomAD no frequency). This variant has not been reported in the literature in individuals affected with TOPORS-related conditions. Algorithms developed to predict the effect of missense changes on protein structure and function are either unavailable or do not agree on the potential impact of this missense change (SIFT: "Tolerated"; PolyPhen-2: "Probably Damaging"; Align-GVGD: "Class C0"). In summary, the available evidence is currently insufficient to determine the role of this variant in disease. Therefore, it has been classified as a Variant of Uncertain Significance.

NM_005802.5(TOPORS):c.961A>G (p.Ile321Val)

Gene: TOPORS (TOP1 binding arginine/serine rich protein, E3 ubiquitin ligase; minus strand). Cytogenetic location: 9p21.1.
Variant type: single nucleotide variant.
Coding change: c.961A>G on transcript NM_005802.5 (MANE Select); coding-DNA position 961, A replaced by G.
Protein change: p.Ile321Val; replaces isoleucine 321 with valine.
Molecular consequence: missense variant.
Genome position (GRCh38, 1-based): chr9:32,543,564, T>C on the plus strand (A>G on the coding strand, the complement: TOPORS is on the minus strand). VCF-style: chr9-32543564-T-C. GRCh37 (hg19) VCF-style: chr9-32543562-T-C.
Other names: c.766A>G, p.Ile256Val (NM_001195622.2); short protein forms I256V, I321V.
Identifiers: ClinVar variation 1491644 (VCV001491644.7), dbSNP rs2118968698, ClinGen allele CA373171501.